The following is an entry in ClinVar:

ClinVar aggregate classification (germline): Uncertain significance (1 of 4 stars; one submission).

Submission:

CeGaT Center for Human Genetics Tuebingen
Classification: Uncertain significance. Last evaluated: 2025-02-01. Review status: criteria provided, single submitter. Criteria: CeGaT Center For Human Genetics Tuebingen Variant Classification Criteria Version 2. Collection method: clinical testing. Allele origin: germline. Affected: yes. Observed: 1 variant allele.
Comment: ATP6V1B2: PM2, PP3

NM_001693.4(ATP6V1B2):c.1022T>C (p.Val341Ala)

Gene: ATP6V1B2 (ATPase H+ transporting V1 subunit B2; plus strand). Cytogenetic location: 8p21.3.
Variant type: single nucleotide variant.
Coding change: c.1022T>C on transcript NM_001693.4 (MANE Select); coding-DNA position 1022, T replaced by C.
Protein change: p.Val341Ala; replaces valine 341 with alanine.
Molecular consequence: missense variant.
Genome position (GRCh38, 1-based): chr8:20,214,912, T>C. VCF-style: chr8-20214912-T-C. GRCh37 (hg19) VCF-style: chr8-20072423-T-C.
Other names: short protein forms V341A.
Identifiers: ClinVar variation 3772466 (VCV003772466.13).